The following is an entry in ClinVar:

ClinVar aggregate classification (germline): Uncertain significance. Review status: criteria provided, multiple submitters, no conflicts (2 of 4 stars). 3 submissions from 3 submitters: Uncertain significance (3). Last evaluated 2025-11-06.

Allele frequency attached by ClinVar (database versions not stated): gnomAD exomes 0.00001 and 0.00003; gnomAD 0.00002; ExAC 0.00003; TOPMed 0.00003.
gnomAD v4.1: 21 of 1,613,818 alleles (0.0013%); highest among the groups gnomAD compares: East Asian, 0.02%; no homozygotes.

Submissions (3):

Labcorp Genetics (formerly Invitae), Labcorp
Classification: Uncertain significance. Last evaluated: 2025-11-06. Review status: criteria provided, single submitter. Criteria: Invitae Variant Classification Sherloc (09022015). Collection method: clinical testing. Allele origin: germline.
Comment: This sequence change replaces arginine, which is basic and polar, with glutamine, which is neutral and polar, at codon 318 of the NEK2 protein (p.Arg318Gln). This variant is present in population databases (rs753485254, gnomAD 0.03%). This variant has not been reported in the literature in individuals affected with NEK2-related conditions. ClinVar contains an entry for this variant (Variation ID: 1348097). An algorithm developed to predict the effect of missense changes on protein structure and function outputs the following: PolyPhen-2: "Benign". The glutamine amino acid residue is found in multiple mammalian species, which suggests that this missense change does not adversely affect protein function. In summary, the available evidence is currently insufficient to determine the role of this variant in disease. Therefore, it has been classified as a Variant of Uncertain Significance.

Blueprint Genetics
Classification: Uncertain significance. Last evaluated: 2023-06-16. Review status: criteria provided, single submitter. Criteria: ACMG Guidelines, 2015. Collection method: clinical testing. Allele origin: germline.

Ambry Genetics
Classification: Uncertain significance. Last evaluated: 2023-05-03. Review status: criteria provided, single submitter. Criteria: Ambry Variant Classification Scheme 2023. Collection method: clinical testing. Allele origin: germline.

NM_002497.4(NEK2):c.953G>A (p.Arg318Gln)

Gene: NEK2 (NIMA related kinase 2; minus strand). Cytogenetic location: 1q32.3.
Variant type: single nucleotide variant.
Coding change: c.953G>A on transcript NM_002497.4 (MANE Select); coding-DNA position 953, G replaced by A.
Protein change: p.Arg318Gln; replaces arginine 318 with glutamine.
Molecular consequence: missense variant.
Genome position (GRCh38, 1-based): chr1:211,669,145, C>T on the plus strand (G>A on the coding strand, the complement: NEK2 is on the minus strand). VCF-style: chr1-211669145-C-T. GRCh37 (hg19) VCF-style: chr1-211842487-C-T.
Other names: c.953G>A, p.Arg318Gln (NM_001204182.2, NM_001204183.2); c.953G>A (NM_002497.3); short protein forms R318Q.
Identifiers: ClinVar variation 1348097 (VCV001348097.8), dbSNP rs753485254, ClinGen allele CA1381555.